The following is an entry in ClinVar:

ClinVar aggregate classification (germline): Uncertain significance. Review status: criteria provided, multiple submitters, no conflicts (2 of 4 stars). 2 submissions from 2 submitters: Uncertain significance (2). Last evaluated 2023-12-21.

Conditions:
Aortic aneurysm, familial thoracic 7 (AAT7). Also called: AORTIC DISSECTION, FAMILIAL, WITH OR WITHOUT AORTIC ANEURYSM. Identifiers: MedGen C3151077, MONDO:0013418, OMIM 613780.

Allele frequency attached by ClinVar (database versions not stated): gnomAD exomes below 0.00001 and 0.00001; ExAC 0.00001.
gnomAD v4.1: 18 of 1,614,176 alleles (0.0011%); highest among the groups gnomAD compares: Non-Finnish European, 0.0015%; no homozygotes.

Submissions (2):

Blueprint Genetics
Classification: Uncertain significance. Last evaluated: 2023-12-21. Review status: criteria provided, single submitter. Criteria: ACMG Guidelines, 2015. Collection method: clinical testing. Allele origin: germline.

Labcorp Genetics (formerly Invitae), Labcorp
Classification: Uncertain significance for Aortic aneurysm, familial thoracic 7. Last evaluated: 2022-12-06. Review status: criteria provided, single submitter. Criteria: Invitae Variant Classification Sherloc (09022015). Collection method: clinical testing. Allele origin: germline.
Comment: ClinVar contains an entry for this variant (Variation ID: 1385515). Advanced modeling of protein sequence and biophysical properties (such as structural, functional, and spatial information, amino acid conservation, physicochemical variation, residue mobility, and thermodynamic stability) performed at Invitae indicates that this missense variant is not expected to disrupt MYLK protein function. In summary, the available evidence is currently insufficient to determine the role of this variant in disease. Therefore, it has been classified as a Variant of Uncertain Significance. This missense change has been observed in individual(s) with MYLK-related conditions (Invitae). This sequence change replaces valine, which is neutral and non-polar, with phenylalanine, which is neutral and non-polar, at codon 463 of the MYLK protein (p.Val463Phe). This variant is present in population databases (rs748756189, gnomAD 0.0009%).

NM_053025.4(MYLK):c.1387G>T (p.Val463Phe)

Gene: MYLK (myosin light chain kinase; minus strand). Cytogenetic location: 3q21.1.
Variant type: single nucleotide variant.
Coding change: c.1387G>T on transcript NM_053025.4 (MANE Select); coding-DNA position 1387, G replaced by T.
Protein change: p.Val463Phe; replaces valine 463 with phenylalanine.
Molecular consequence: missense variant. On other transcripts: intron variant (2).
Genome position (GRCh38, 1-based): chr3:123,733,025, C>A on the plus strand (G>T on the coding strand, the complement: MYLK is on the minus strand). VCF-style: chr3-123733025-C-A. GRCh37 (hg19) VCF-style: chr3-123451872-C-A.
Other names: c.859G>T, p.Val287Phe (NM_001321309.2); c.1387G>T, p.Val463Phe (NM_053027.4); c.1309+662G>T (NM_053028.4, NM_053026.4); short protein forms V463F, V287F.
Identifiers: ClinVar variation 1385515 (VCV001385515.9), dbSNP rs748756189, ClinGen allele CA067057.